The following is an entry in ClinVar:

NM_001351307.2(DUXB):c.984C>T (p.Asp328=)

Gene: DUXB (double homeobox B; minus strand). Cytogenetic location: 16q23.1.
Variant type: single nucleotide variant.
Coding change: c.984C>T on transcript NM_001351307.2 (MANE Select); coding-DNA position 984, C replaced by T.
Protein change: p.Asp328=; no amino-acid change (aspartic acid 328 retained).
Molecular consequence: synonymous variant.
Genome position (GRCh38, 1-based): chr16:75,693,983, G>A on the plus strand (C>T on the coding strand, the complement: DUXB is on the minus strand). VCF-style: chr16-75693983-G-A. GRCh37 (hg19) VCF-style: chr16-75727881-G-A.
Other names: c.723C>T, p.Asp241= (NM_001351308.2); c.543C>T, p.Asp181= (NM_001351309.2).
Identifiers: ClinVar variation 4535480 (VCV004535480.6).
Genomic context (GRCh38, chr16:75,693,983, plus strand): 5'-TCTGTCTCAGTGTGTCCCTTTGAGAGGGTCCCATTCAGCAAGCAGAGCCTGGCAGATCTC[G>A]TCCCACCTTTGCAAAATGTTCGATATGTCAAACTGACCCAGATTTAGAGGTTGTTGCTCC-3'
Protein context (NP_001338236.1, residues 318-338): FDISNILQRW[Asp328=]EICQALLAEW

ClinVar aggregate classification (germline): Likely benign (1 of 4 stars; one submission).

Submission:

CeGaT Center for Human Genetics Tuebingen
Classification: Likely benign. Last evaluated: 2025-10-01. Review status: criteria provided, single submitter. Criteria: CeGaT Center For Human Genetics Tuebingen Variant Classification Criteria Version 2. Collection method: clinical testing. Allele origin: germline. Affected: yes. Observed: 1 variant allele.
Comment: DUXB: BP4, BP7